The following is an entry in ClinVar:

ClinVar aggregate classification (germline): Uncertain significance (0 of 4 stars; one submission).

Conditions:
FASN-related disorder. Also called: FASN-related condition.

Allele frequency attached by ClinVar (database versions not stated): ExAC 0.00001; gnomAD 0.00001; gnomAD exomes 0.00001; ESP Exome Variant Server 0.00008.

Submission:

PreventionGenetics, part of Exact Sciences
Classification: Uncertain significance for FASN-related condition. Last evaluated: 2024-02-20. Review status: no assertion criteria provided. Collection method: clinical testing. Allele origin: germline.
Comment: The FASN c.6196G>A variant is predicted to result in the amino acid substitution p.Val2066Met. To our knowledge, this variant has not been reported in the literature. This variant is reported in 0.0064% of alleles in individuals of African descent in gnomAD. At this time, the clinical significance of this variant is uncertain due to the absence of conclusive functional and genetic evidence.

NM_004104.5(FASN):c.6196G>A (p.Val2066Met)

Gene: FASN (fatty acid synthase; minus strand). Cytogenetic location: 17q25.3.
Variant type: single nucleotide variant.
Coding change: c.6196G>A on transcript NM_004104.5 (MANE Select); coding-DNA position 6196, G replaced by A.
Protein change: p.Val2066Met; replaces valine 2066 with methionine.
Molecular consequence: missense variant.
Genome position (GRCh38, 1-based): chr17:82,081,811, C>T on the plus strand (G>A on the coding strand, the complement: FASN is on the minus strand). VCF-style: chr17-82081811-C-T. GRCh37 (hg19) VCF-style: chr17-80039687-C-T.
Other names: short protein forms V2066M.
Identifiers: ClinVar variation 3036218 (VCV003036218.2), dbSNP rs148217171, ClinGen allele CA8851371.